The following is an entry in ClinVar:

ClinVar aggregate classification (germline): Uncertain significance (1 of 4 stars; one submission).

Conditions:
Hereditary cancer-predisposing syndrome. Also called: Hereditary Cancer Syndrome; Neoplastic Syndromes, Hereditary; Tumor predisposition; Hereditary neoplastic syndrome. Identifiers: Orphanet 140162, MedGen C0027672, MeSH D009386, MONDO:0015356.

Submission:

Ambry Genetics
Classification: Uncertain significance for Hereditary cancer-predisposing syndrome. Last evaluated: 2022-02-05. Review status: criteria provided, single submitter. Criteria: Ambry Variant Classification Scheme 2023. Collection method: clinical testing. Allele origin: germline.
Comment: The p.D162Y variant (also known as c.484G>T), located in coding exon 5 of the TSC2 gene, results from a G to T substitution at nucleotide position 484. The aspartic acid at codon 162 is replaced by tyrosine, an amino acid with highly dissimilar properties. This amino acid position is conserved. In addition, the in silico prediction for this alteration is inconclusive. Since supporting evidence is limited at this time, the clinical significance of this alteration remains unclear.

NM_000548.5(TSC2):c.484G>T (p.Asp162Tyr)

Gene: TSC2 (TSC complex subunit 2; plus strand). Cytogenetic location: 16p13.3.
Variant type: single nucleotide variant.
Coding change: c.484G>T on transcript NM_000548.5 (MANE Select); coding-DNA position 484, G replaced by T.
Protein change: p.Asp162Tyr; replaces aspartic acid 162 with tyrosine.
Molecular consequence: missense variant. On other transcripts: intron variant (1).
Genome position (GRCh38, 1-based): chr16:2,055,404, G>T. VCF-style: chr16-2055404-G-T. GRCh37 (hg19) VCF-style: chr16-2105405-G-T.
Other names: c.484G>T, p.Asp162Tyr (NM_001077183.3, NM_001114382.3, NM_001363528.2 and 8 more transcripts); c.373G>T, p.Asp125Tyr (NM_001318827.2, NM_001406670.1, NM_001406678.1); c.337G>T, p.Asp113Tyr (NM_001318829.2, NM_001406675.1, NM_001406676.1 and 1 more transcripts); c.517G>T, p.Asp173Tyr (NM_001318832.2); c.574G>T, p.Asp192Tyr (NM_001406667.1, NM_001406668.1); c.427G>T, p.Asp143Tyr (NM_001406677.1); c.-333G>T (NM_001406680.1, NM_001406683.1, NM_001406687.1); c.-948G>T (NM_001406689.1, NM_001406690.1, NM_001406691.1 and 2 more transcripts); and 5 more; short protein forms D173Y, D192Y, D125Y, D113Y, D162Y, D143Y.
Identifiers: ClinVar variation 1743568 (VCV001743568.2), dbSNP rs1257721773, ClinGen allele CA394309035.